The following is an entry in ClinVar:

NM_002474.3(MYH11):c.5598G>A (p.Glu1866=)

Genes: NDE1 (nudE neurodevelopment protein 1; plus strand), MYH11 (myosin heavy chain 11; minus strand). Cytogenetic location: 16p13.11.
Variant type: single nucleotide variant.
Coding change: c.5598G>A on transcript NM_002474.3 (MANE Select); coding-DNA position 5598, G replaced by A.
Protein change: p.Glu1866=; no amino-acid change (glutamic acid 1866 retained).
Molecular consequence: synonymous variant. On other transcripts: intron variant (2).
Genome position (GRCh38, 1-based): chr16:15,715,179, C>T on the plus strand (G>A on the coding strand, the complement: MYH11 is on the minus strand). VCF-style: chr16-15715179-C-T. GRCh37 (hg19) VCF-style: chr16-15809036-C-T.
Other names: c.5619G>A, p.Glu1873= (NM_001040113.2, NM_001040114.2); c.5598G>A, p.Glu1866= (NM_022844.3); c.948-9012C>T (NM_001143979.2, NM_017668.3).
Identifiers: ClinVar variation 2909943 (VCV002909943.5), dbSNP rs767282515, ClinGen allele CA7921212.

ClinVar aggregate classification (germline): Likely benign. Review status: criteria provided, multiple submitters, no conflicts (2 of 4 stars). 3 submissions from 3 submitters: Likely benign (3). Last evaluated 2024-12-23.

Conditions:
Aortic aneurysm, familial thoracic 4 (AAT4). Also called: AORTIC ANEURYSM/AORTIC DISSECTION AND PATENT DUCTUS ARTERIOSUS. Identifiers: MedGen C1851504, MONDO:0007568, OMIM 132900.
Familial thoracic aortic aneurysm and aortic dissection (TAAD). Also called: Thoracic aortic aneurysms and dissections. Identifiers: Orphanet 91387, MedGen C4707243, MONDO:0019625.

Allele frequency attached by ClinVar (database versions not stated): ExAC 0.00001; gnomAD exomes 0.00001.
gnomAD v4.1: 4 of 1,613,860 alleles (0.00025%); highest among the groups gnomAD compares: South Asian, 0.0044%; no homozygotes.

Submissions (3):

Labcorp Genetics (formerly Invitae), Labcorp
Classification: Likely benign for Aortic aneurysm, familial thoracic 4. Last evaluated: 2024-12-23. Review status: criteria provided, single submitter. Criteria: Invitae Variant Classification Sherloc (09022015). Collection method: clinical testing. Allele origin: germline.

All of Us Research Program, National Institutes of Health
Classification: Likely benign for Familial thoracic aortic aneurysm and aortic dissection. Last evaluated: 2023-12-13. Review status: criteria provided, single submitter. Criteria: ACMG Guidelines, 2015. Collection method: clinical testing. Allele origin: germline. Inheritance: Autosomal dominant inheritance. Observed: 1 variant allele, 1 heterozygote.
Comment: This study involves interpretation of variants in research participants for the purpose of population health screening. Participant phenotype was not available at the time of variant classification. Additional details can be found in publication PMID: 35346344, PMCID: PMC8962531

Color Diagnostics, LLC DBA Color Health
Classification: Likely benign for Familial thoracic aortic aneurysm and aortic dissection. Last evaluated: 2023-11-08. Review status: criteria provided, single submitter. Criteria: ACMG Guidelines, 2015. Collection method: clinical testing. Allele origin: germline.